The following is an entry in ClinVar:

NM_138694.4(PKHD1):c.10708del (p.Ser3570fs)

Gene: PKHD1 (PKHD1 ciliary IPT domain containing fibrocystin/polyductin; minus strand). Cytogenetic location: 6p12.3.
Variant type: Deletion.
Coding change: c.10708del on transcript NM_138694.4 (MANE Select); coding-DNA position 10708, one base deleted (T; older notation c.10708delT).
Protein change: p.Ser3570fs; shifts the reading frame from serine 3570.
Molecular consequence: frameshift variant.
Genome position (GRCh38, 1-based): chr6:51,659,418, A deleted on the plus strand (T on the coding strand, the reverse complement: PKHD1 is on the minus strand); the first of 3 consecutive A bases (chr6:51,659,418-51,659,420); deleting any one gives the same sequence. VCF-style (leftmost placement, unchanged base first): chr6-51659417-GA-G. GRCh37 (hg19) VCF-style: chr6-51524215-GA-G.
Other names: c.10708del (NM_138694.3); short protein forms S3570fs.
Identifiers: ClinVar variation 2755017 (VCV002755017.4), dbSNP rs2533442392, ClinGen allele CA2697553453.

ClinVar aggregate classification (germline): Pathogenic/Likely pathogenic. Review status: criteria provided, multiple submitters, no conflicts (2 of 4 stars). 2 submissions from 2 submitters: Pathogenic (1); Likely pathogenic (1). Last evaluated 2025-06-23.

Conditions:
Autosomal recessive polycystic kidney disease (ARPKD). Also called: AR polycystic kidney disease. Identifiers: Orphanet 731, Orphanet 8378, MedGen C0085548, MeSH D017044, MONDO:0009889.

Submissions (2):

Natera, Inc.
Classification: Likely pathogenic for Autosomal recessive polycystic kidney disease. Last evaluated: 2025-06-23. Review status: criteria provided, single submitter. Criteria: Natera Variant Classification Schema (03/2026). Collection method: clinical testing. Allele origin: germline.
Comment: The c.10708del variant in PKHD1 is a frameshift variant predicted to shift the reading frame beginning at codon 3570 and leads to a stop codon 3 codons downstream. This variant is expected to result in nonsense mediated decay, truncation, or a dysfunctional protein product. This variant is rare in the general population with a frequency below the threshold expected for the associated phenotype(s). Given the available evidence, this variant is classified as Likely Pathogenic.

Labcorp Genetics (formerly Invitae), Labcorp
Classification: Pathogenic for Autosomal recessive polycystic kidney disease. Last evaluated: 2023-08-24. Review status: criteria provided, single submitter. Criteria: Invitae Variant Classification Sherloc (09022015). Collection method: clinical testing. Allele origin: germline.
Comment: This variant is not present in population databases (gnomAD no frequency). This sequence change creates a premature translational stop signal (p.Ser3570Glnfs*3) in the PKHD1 gene. It is expected to result in an absent or disrupted protein product. Loss-of-function variants in PKHD1 are known to be pathogenic (PMID: 19940839). This variant has not been reported in the literature in individuals affected with PKHD1-related conditions. For these reasons, this variant has been classified as Pathogenic.

Literature cited by the submitters: PubMed 19940839 (cited by Labcorp Genetics (formerly Invitae), Labcorp).